The following is an entry in ClinVar:

ClinVar aggregate classification (germline): Uncertain significance (1 of 4 stars; one submission).

Submission:

Labcorp Genetics (formerly Invitae), Labcorp
Classification: Uncertain significance. Last evaluated: 2022-12-30. Review status: criteria provided, single submitter. Criteria: Invitae Variant Classification Sherloc (09022015). Collection method: clinical testing. Allele origin: germline.
Comment: This variant has not been reported in the literature in individuals affected with NEUROD1-related conditions. In summary, the available evidence is currently insufficient to determine the role of this variant in disease. Therefore, it has been classified as a Variant of Uncertain Significance. This variant, c.115_117del, results in the deletion of 1 amino acid(s) of the NEUROD1 protein (p.Lys39del), but otherwise preserves the integrity of the reading frame. This variant is present in population databases (rs767141079, gnomAD 0.0008%).

NM_002500.5(NEUROD1):c.112AAG[1] (p.Lys39del)

Gene: NEUROD1 (neuronal differentiation 1; minus strand). Cytogenetic location: 2q31.3.
Variant type: Microsatellite.
Coding change: c.112AAG[1] on transcript NM_002500.5 (MANE Select); one copy of the 3-base unit AAG starting at c.112; the reference has two copies in a row; one copy, 3 bases deleted.
Protein change: p.Lys39del; deletes lysine 39.
Molecular consequence: inframe deletion.
Genome position (GRCh38, 1-based): chr2:181,678,744-181,678,746, CTT deleted on the plus strand (AAG on the coding strand, the reverse complement: NEUROD1 is on the minus strand); deleting any 3 consecutive bases within chr2:181,678,744-181,678,749 gives the same sequence; the position shown is the placement nearest the transcript's 3' end. VCF-style (leftmost placement, unchanged base first): chr2-181678743-CCTT-C. GRCh37 (hg19) VCF-style: chr2-182543470-CCTT-C.
Other names: short protein forms K39del.
Identifiers: ClinVar variation 2839339 (VCV002839339.3), dbSNP rs767141079, ClinGen allele CA2011186.